The following is an entry in ClinVar:

ClinVar aggregate classification (germline): Pathogenic (1 of 4 stars; one submission).

Submission:

Labcorp Genetics (formerly Invitae), Labcorp
Classification: Pathogenic. Last evaluated: 2025-12-08. Review status: criteria provided, single submitter. Criteria: Invitae Variant Classification Sherloc (09022015). Collection method: clinical testing. Allele origin: germline.
Comment: This sequence change creates a premature translational stop signal (p.Leu85Profs*52) in the APRT gene. While this is not anticipated to result in nonsense mediated decay, it is expected to disrupt the last 96 amino acid(s) of the APRT protein. This variant is not present in population databases (gnomAD no frequency). This variant has not been reported in the literature in individuals affected with APRT-related conditions. Algorithms developed to predict the effect of sequence changes on RNA splicing suggest that this variant may disrupt the consensus splice site. This variant disrupts a region of the APRT protein in which other variant(s) (p.Phe174del) have been determined to be pathogenic (PMID: 3680503, 23430916). This suggests that this is a clinically significant region of the protein, and that variants that disrupt it are likely to be disease-causing. For these reasons, this variant has been classified as Pathogenic.

Literature cited by the submitters: PubMed 3680503; PubMed 23430916.

NM_000485.3(APRT):c.254del (p.Leu85fs)

Gene: APRT (adenine phosphoribosyltransferase; minus strand). Cytogenetic location: 16q24.3.
Variant type: Deletion.
Coding change: c.254del on transcript NM_000485.3 (MANE Select); coding-DNA position 254, one base deleted (T; older notation c.254delT).
Protein change: p.Leu85fs; shifts the reading frame from leucine 85.
Molecular consequence: frameshift variant.
Genome position (GRCh38, 1-based): chr16:88,810,490, A deleted on the plus strand (T on the coding strand, the reverse complement: APRT is on the minus strand). VCF-style (leftmost placement, unchanged base first): chr16-88810489-GA-G. GRCh37 (hg19) VCF-style: chr16-88876897-GA-G.
Other names: c.254del, p.Leu85fs (NM_001030018.2); short protein forms L85fs.
Identifiers: ClinVar variation 4694130 (VCV004694130.1).